The following is an entry in ClinVar:

NM_032119.4(ADGRV1):c.9491A>G (p.Asp3164Gly)

Gene: ADGRV1 (adhesion G protein-coupled receptor V1; plus strand). Cytogenetic location: 5q14.3.
Variant type: single nucleotide variant.
Coding change: c.9491A>G on transcript NM_032119.4 (MANE Select); coding-DNA position 9491, A replaced by G.
Protein change: p.Asp3164Gly; replaces aspartic acid 3164 with glycine.
Molecular consequence: missense variant. On other transcripts: non-coding transcript variant (1).
Genome position (GRCh38, 1-based): chr5:90,720,091, A>G. VCF-style: chr5-90720091-A-G. GRCh37 (hg19) VCF-style: chr5-90015908-A-G.
Other names: short protein forms D3164G.
Identifiers: ClinVar variation 1015373 (VCV001015373.8), dbSNP rs893175124, ClinGen allele CA122807963.

ClinVar aggregate classification (germline): Uncertain significance (1 of 4 stars; one submission).

Allele frequency attached by ClinVar (database versions not stated): gnomAD exomes below 0.00001.
gnomAD v4.1: 2 of 1,613,786 alleles (0.00012%); highest among the groups gnomAD compares: Non-Finnish European, 0.00017%; no homozygotes.

Submission:

Labcorp Genetics (formerly Invitae), Labcorp
Classification: Uncertain significance. Last evaluated: 2020-07-14. Review status: criteria provided, single submitter. Criteria: Invitae Variant Classification Sherloc (09022015). Collection method: clinical testing. Allele origin: germline.
Comment: In summary, the available evidence is currently insufficient to determine the role of this variant in disease. Therefore, it has been classified as a Variant of Uncertain Significance. Algorithms developed to predict the effect of sequence changes on RNA splicing suggest that this variant may create or strengthen a splice site, but this prediction has not been confirmed by published transcriptional studies. Algorithms developed to predict the effect of missense changes on protein structure and function are either unavailable or do not agree on the potential impact of this missense change (SIFT: "Deleterious"; PolyPhen-2: "Probably Damaging"; Align-GVGD: "Class C0"). This variant has not been reported in the literature in individuals with ADGRV1-related conditions. This variant is not present in population databases (ExAC no frequency). This sequence change replaces aspartic acid with glycine at codon 3164 of the ADGRV1 protein (p.Asp3164Gly). The aspartic acid residue is moderately conserved and there is a moderate physicochemical difference between aspartic acid and glycine.